The following is an entry in ClinVar:

ClinVar aggregate classification (germline): Benign. Review status: criteria provided, multiple submitters, no conflicts (2 of 4 stars). 7 submissions from 7 submitters: Benign (6). 1 of the submissions does not count toward it. Last evaluated 2026-02-04.

Conditions:
Sandhoff disease. Also called: GM2-GANGLIOSIDOSIS, TYPE II; HEXOSAMINIDASES A AND B DEFICIENCY; Beta-hexosaminidase-beta-subunit deficiency; GM2 gangliosidosis, type 2; Total hexosaminidase deficiency; Sandhoff-Jatzkewitz-Pilz disease. Identifiers: Orphanet 796, MedGen C0036161, MONDO:0010006, OMIM 268800.

Allele frequency attached by ClinVar (database versions not stated): gnomAD exomes 0.00086 and 0.00218; ExAC 0.00280; gnomAD 0.00865 and 0.00923; ESP Exome Variant Server 0.00907; TOPMed 0.00932; 1000 Genomes Project 0.01118; 1000 Genomes Project 30x 0.01187.
gnomAD v4.1: 2,617 of 1,614,156 alleles (0.16%); highest among the groups gnomAD compares: African/African-American, 3.1%; 42 homozygotes.

Submissions (7):

Labcorp Genetics (formerly Invitae), Labcorp
Classification: Benign for Sandhoff disease. Last evaluated: 2026-02-04. Review status: criteria provided, single submitter. Criteria: Invitae Variant Classification Sherloc (09022015). Collection method: clinical testing. Allele origin: germline.

Mayo Clinic Laboratories, Mayo Clinic
Classification: Benign. Last evaluated: 2023-06-14. Review status: criteria provided, single submitter. Criteria: ACMG Guidelines, 2015. Collection method: clinical testing. Allele origin: germline. Observed: 4 variant alleles.
Comment: BA1, BS2

Illumina Laboratory Services, Illumina
Classification: Benign for Sandhoff disease. Last evaluated: 2018-01-12. Review status: criteria provided, single submitter. Criteria: ICSL Variant Classification Criteria 13 December 2019. Collection method: clinical testing. Allele origin: germline.
Comment: This variant was observed in the ICSL laboratory as part of a predisposition screen in an ostensibly healthy population. It had not been previously curated by ICSL or reported in the Human Gene Mutation Database (HGMD: prior to June 1st, 2018), and was therefore a candidate for classification through an automated scoring system. Utilizing variant allele frequency, disease prevalence and penetrance estimates, and inheritance mode, an automated score was calculated to assess if this variant is too frequent to cause the disease. Based on the score and internal cut-off values, a variant classified as benign is not then subjected to further curation. The score for this variant resulted in a classification of benign for this disease.

Center for Pediatric Genomic Medicine, Children's Mercy Hospital and Clinics
Classification: Benign. Last evaluated: 2017-02-27. Review status: criteria provided, single submitter. Criteria: ACMG Guidelines, 2015. Collection method: clinical testing. Allele origin: germline.

Eurofins Ntd Llc (ga)
Classification: Benign. Last evaluated: 2016-09-07. Review status: criteria provided, single submitter. Criteria: EGL Classification Definitions 2015. Collection method: clinical testing. Allele origin: germline. Observed: 3 variant alleles, 3 heterozygotes.

PreventionGenetics, part of Exact Sciences
Classification: Benign. Review status: criteria provided, single submitter. Criteria: ACMG Guidelines, 2015. Collection method: clinical testing. Allele origin: germline.

Natera, Inc.
Classification: Benign for Sandhoff disease. Last evaluated: 2020-09-16. Review status: no assertion criteria provided. Collection method: clinical testing. Allele origin: germline. Not counted in ClinVar's aggregate classification.

NM_000521.4(HEXB):c.1258A>G (p.Ile420Val)

Gene: HEXB (hexosaminidase subunit beta; plus strand). Cytogenetic location: 5q13.3.
Variant type: single nucleotide variant.
Coding change: c.1258A>G on transcript NM_000521.4 (MANE Select); coding-DNA position 1258, A replaced by G.
Protein change: p.Ile420Val; replaces isoleucine 420 with valine.
Molecular consequence: missense variant.
Genome position (GRCh38, 1-based): chr5:74,718,812, A>G. VCF-style: chr5-74718812-A-G. GRCh37 (hg19) VCF-style: chr5-74014637-A-G.
Other names: p.Ile420Val; c.583A>G, p.Ile195Val (NM_001292004.2); short protein forms I420V, I195V.
Identifiers: ClinVar variation 256355 (VCV000256355.23), dbSNP rs77499935, ClinGen allele CA3306092.